The following is an entry in ClinVar:

ClinVar aggregate classification (germline): Likely benign (1 of 4 stars; one submission).

Allele frequency attached by ClinVar (database versions not stated): gnomAD 0.00917 and 0.00977; TOPMed 0.01064; 1000 Genomes Project 0.01278; 1000 Genomes Project 30x 0.01390.
gnomAD v4.1: 1,380 of 152,340 alleles (0.91%); highest among the groups gnomAD compares: African/African-American, 3.2%; 21 homozygotes.

Submission:

GeneDx
Classification: Likely benign. Last evaluated: 2018-06-19. Review status: criteria provided, single submitter. Criteria: GeneDx Variant Classification (06012015). Collection method: clinical testing. Allele origin: germline. Affected: yes.
Comment: This variant is considered likely benign or benign based on one or more of the following criteria: it is a conservative change, it occurs at a poorly conserved position in the protein, it is predicted to be benign by multiple in silico algorithms, and/or has population frequency not consistent with disease.

NM_001042492.3(NF1):c.586+251A>G

Gene: NF1 (neurofibromin 1; plus strand). Cytogenetic location: 17q11.2.
Variant type: single nucleotide variant.
Coding change: c.586+251A>G on transcript NM_001042492.3 (MANE Select); 251 bases into the intron after coding-DNA position 586, A replaced by G.
Molecular consequence: intron variant.
Genome position (GRCh38, 1-based): chr17:31,170,248, A>G. VCF-style: chr17-31170248-A-G. GRCh37 (hg19) VCF-style: chr17-29497266-A-G.
Other names: c.586+251A>G (NM_000267.4, NM_001128147.3).
Identifiers: ClinVar variation 561946 (VCV000561946.1), dbSNP rs17883876, ClinGen allele CA289329413.
Genomic context (GRCh38, chr17:31,170,248, plus strand): 5'-AAATGAGCATTTTAAATCTTGGCAATGGAAAGTTTTGCTTAACTACAATTTTTGTTTTCA[A>G]TACAGAGAATGCAAGGGTGCTATTATTTCATTTTTCTGGAATTTGATCTCTCAAGGGTGG-3'